The following is an entry in ClinVar:

ClinVar aggregate classification (germline): Likely benign (1 of 4 stars; one submission).

Conditions:
EPPK1-related disorder. Also called: EPPK1-related condition.

gnomAD v4.1: 22 of 1,612,604 alleles (0.0014%); highest among the groups gnomAD compares: South Asian, 0.0055%; no homozygotes.

Submission:

PreventionGenetics, part of Exact Sciences
Classification: Likely benign for EPPK1-related condition. Last evaluated: 2026-07-29. Review status: criteria provided, single submitter. Criteria: ACMG Guidelines, 2015. Collection method: clinical testing. Allele origin: germline.
Comment: This variant is classified as likely benign based on ACMG/AMP sequence variant interpretation guidelines (Richards et al. 2015 PMID: 25741868, with internal and published modifications).

NM_031308.4(EPPK1):c.6042G>A (p.Gly2014=)

Gene: EPPK1 (epiplakin 1; minus strand). Cytogenetic location: 8q24.3.
Variant type: single nucleotide variant.
Coding change: c.6042G>A on transcript NM_031308.4 (MANE Select); coding-DNA position 6042, G replaced by A.
Protein change: p.Gly2014=; no amino-acid change (glycine 2014 retained).
Molecular consequence: synonymous variant.
Genome position (GRCh38, 1-based): chr8:143,867,212, C>T on the plus strand (G>A on the coding strand, the complement: EPPK1 is on the minus strand). VCF-style: chr8-143867212-C-T. GRCh37 (hg19) VCF-style: chr8-144941380-C-T.
Identifiers: ClinVar variation 4978492 (VCV004978492.1).
Genomic context (GRCh38, chr8:143,867,212, plus strand): 5'-GCCCCGTCTGTAGGCTGTTTCCAGTGGGAGCCGGTGGTGGTGCTGTGGGTCGATGACACC[C>T]CCCGTGGCCACCTGCACCTCCAGCAGCCTCAGTGCCTCCGCCTTCTCGATGAGCTGCTTC-3'
Protein context (NP_112598.3, residues 2004-2024): LRLLEVQVAT[Gly2014=]GVIDPQHHHR